The following is an entry in ClinVar:

NM_002528.7(NTHL1):c.341_350del (p.Ser114fs)

Gene: NTHL1 (nth like DNA glycosylase 1; minus strand). Cytogenetic location: 16p13.3.
Variant type: Deletion.
Coding change: c.341_350del on transcript NM_002528.7 (MANE Select); coding-DNA positions 341 to 350, 10 bases deleted (GTGCCCCCCC; older notation c.341_350delGTGCCCCCCC).
Protein change: p.Ser114fs; shifts the reading frame from serine 114.
Molecular consequence: frameshift variant. On other transcripts: intron variant (1).
Genome position (GRCh38, 1-based): chr16:2,046,132-2,046,141, GGGGGGGCAC deleted on the plus strand (GTGCCCCCCC on the coding strand, the reverse complement: NTHL1 is on the minus strand). VCF-style (leftmost placement, unchanged base first): chr16-2046131-TGGGGGGGCAC-T. GRCh37 (hg19) VCF-style: chr16-2096132-TGGGGGGGCAC-T.
Other names: c.341_350del, p.Ser114fs (NM_001318193.2); c.24+139_24+148del (NM_001318194.2); short protein forms S114fs.
Identifiers: ClinVar variation 2699729 (VCV002699729.3), dbSNP rs2548319118, ClinGen allele CA2697549524.
Genomic context (GRCh38, chr16:2,046,131, plus strand): 5'-AAAACAAGGACCTTGCTAAGATGGGGGGTCATCTGGGCAGATGGGGCCCCTGCCTACCTT[TGGGGGGGCAC>T]TGGAGTCATAGCAGTGCTCAGTCCCCAGATGGTCCACAGGTGCATCCTTTTTGTTCCTCA-3'

ClinVar aggregate classification (germline): Pathogenic (1 of 4 stars; one submission).

Submission:

Labcorp Genetics (formerly Invitae), Labcorp
Classification: Pathogenic. Last evaluated: 2023-11-29. Review status: criteria provided, single submitter. Criteria: Invitae Variant Classification Sherloc (09022015). Collection method: clinical testing. Allele origin: germline.
Comment: This sequence change creates a premature translational stop signal (p.Ser122Lysfs*12) in the NTHL1 gene. It is expected to result in an absent or disrupted protein product. Loss-of-function variants in NTHL1 are known to be pathogenic (PMID: 25938944, 26559593). This variant is not present in population databases (gnomAD no frequency). This variant has not been reported in the literature in individuals affected with NTHL1-related conditions. For these reasons, this variant has been classified as Pathogenic.

Literature cited by the submitters: PubMed 25938944; PubMed 26559593.